The following is an entry in ClinVar:

NM_001844.5(COL2A1):c.1927C>T (p.Pro643Ser)

Gene: COL2A1 (collagen type II alpha 1 chain; minus strand). Cytogenetic location: 12q13.11.
Variant type: single nucleotide variant.
Coding change: c.1927C>T on transcript NM_001844.5 (MANE Select); coding-DNA position 1927, C replaced by T.
Protein change: p.Pro643Ser; replaces proline 643 with serine.
Molecular consequence: missense variant.
Genome position (GRCh38, 1-based): chr12:47,984,101, G>A on the plus strand (C>T on the coding strand, the complement: COL2A1 is on the minus strand). VCF-style: chr12-47984101-G-A. GRCh37 (hg19) VCF-style: chr12-48377884-G-A.
Other names: c.1720C>T, p.Pro574Ser (NM_033150.3); short protein forms P574S, P643S.
Identifiers: ClinVar variation 4770136 (VCV004770136.1).

ClinVar aggregate classification (germline): Uncertain significance (1 of 4 stars; one submission).

Submission:

Labcorp Genetics (formerly Invitae), Labcorp
Classification: Uncertain significance. Last evaluated: 2025-09-09. Review status: criteria provided, single submitter. Criteria: Invitae Variant Classification Sherloc (09022015). Collection method: clinical testing. Allele origin: germline.
Comment: This sequence change replaces proline, which is neutral and non-polar, with serine, which is neutral and polar, at codon 643 of the COL2A1 protein (p.Pro643Ser). This variant is not present in population databases (gnomAD no frequency). This variant has not been reported in the literature in individuals affected with COL2A1-related conditions. Invitae Evidence Modeling of protein sequence and biophysical properties (such as structural, functional, and spatial information, amino acid conservation, physicochemical variation, residue mobility, and thermodynamic stability) has been performed for this missense variant. However, the output from this modeling did not meet the statistical confidence thresholds required to predict the impact of this variant on COL2A1 protein function. In summary, the available evidence is currently insufficient to determine the role of this variant in disease. Therefore, it has been classified as a Variant of Uncertain Significance.